The following is an entry in ClinVar:

NM_001692.4(ATP6V1B1):c.574C>A (p.Pro192Thr)

Gene: ATP6V1B1 (ATPase H+ transporting V1 subunit B1; plus strand). Cytogenetic location: 2p13.3.
Variant type: single nucleotide variant.
Coding change: c.574C>A on transcript NM_001692.4 (MANE Select); coding-DNA position 574, C replaced by A.
Protein change: p.Pro192Thr; replaces proline 192 with threonine.
Molecular consequence: missense variant.
Genome position (GRCh38, 1-based): chr2:70,960,067, C>A. VCF-style: chr2-70960067-C-A. GRCh37 (hg19) VCF-style: chr2-71187197-C-A.
Other names: short protein forms P192T.
Identifiers: ClinVar variation 3256891 (VCV003256891.1).

ClinVar aggregate classification (germline): Uncertain significance (1 of 4 stars; one submission).

Conditions:
Renal tubular acidosis with progressive nerve deafness. Also called: Distal Renal Tubular Acidosis with Progressive Sensorineural Deafness; RENAL TUBULAR ACIDOSIS, AUTOSOMAL RECESSIVE, WITH PROGRESSIVE NERVE DEAFNESS; RTA WITH PROGRESSIVE NERVE DEAFNESS; renal tubular acidosis, distal, 2, with progressive sensorineural hearing loss. Identifiers: MedGen C0403554, MONDO:0009968, OMIM 267300.

Submission:

MVZ Medizinische Genetik Mainz
Classification: Uncertain significance for Renal tubular acidosis with progressive nerve deafness. Last evaluated: 2024-02-01. Review status: criteria provided, single submitter. Criteria: UK Practice Guidelines For Variant Classification V4 01 2020. Collection method: clinical testing. Allele origin: germline. Inheritance: Autosomal recessive inheritance. Affected: yes. Observed: 1 variant allele.
Comment: ACMG Criteria: PP3_STR,PM2_SUP